The following is an entry in ClinVar:

ClinVar aggregate classification (germline): Pathogenic (1 of 4 stars; one submission).

Conditions:
Congenital hereditary endothelial dystrophy of cornea. Also called: Congenital hereditary endothelial dystrophy of the cornea; Maumenee corneal dystrophy; Congenital hereditary endothelial dystrophy type II; CORNEAL DYSTROPHY, CONGENITAL HEREDITARY ENDOTHELIAL; Corneal endothelial dystrophy, autosomal recessive. Identifiers: Orphanet 293603, MedGen C1857569, MONDO:0009019, OMIM 217700.

Submission:

Prof. Brien Holden Eye Research Center, Hyderabad Eye Research Foundation, L V Prasad Eye Institute
Classification: Pathogenic for Congenital hereditary endothelial dystrophy of cornea. Last evaluated: 2022-08-07. Review status: criteria provided, single submitter. Criteria: ACMG Guidelines, 2015. Collection method: case-control. Allele origin: inherited. Affected: yes.
Comment: Opaque cornea with reduced visual acuity, Autosomal recessive

A consanguineous Indian family with three affected members presented with a CHED clinical phenotype. All three affected siblings showed varying degrees of corneal clouding with reduced visual acuity. A homozygous C to G DNA nucleotide substitution was identified in all three affected cases at the cDNA 1466 position of SLC4A11, leading to TCG to TGG change (c.1466TCG>TGG) which corresponds to serine to tryptophan change at 489th residue of SLC4A11 (p.Ser489Trp). The parents are heterozygous for this variation and likely to be carriers of the disease. This change was not observed in the 80 healthy Indian controls.

NM_001174089.2(SLC4A11):c.1418C>G (p.Ser473Trp)

Gene: SLC4A11 (solute carrier family 4 member 11; minus strand). Cytogenetic location: 20p13.
Variant type: single nucleotide variant.
Coding change: c.1418C>G on transcript NM_001174089.2 (MANE Select); coding-DNA position 1418, C replaced by G.
Protein change: p.Ser473Trp; replaces serine 473 with tryptophan.
Molecular consequence: missense variant. On other transcripts: non-coding transcript variant (3).
Genome position (GRCh38, 1-based): chr20:3,230,258, G>C on the plus strand (C>G on the coding strand, the complement: SLC4A11 is on the minus strand). VCF-style: chr20-3230258-G-C. GRCh37 (hg19) VCF-style: chr20-3210904-G-C.
Other names: c.1547C>G, p.Ser516Trp (NM_001174090.2); c.1304C>G, p.Ser435Trp (NM_001363745.2); c.1361C>G, p.Ser454Trp (NM_001400277.1, NM_001400278.1, NM_001400279.1); c.1433C>G, p.Ser478Trp (NM_001400280.1); c.1466C>G, p.Ser489Trp (NM_032034.4); short protein forms S435W, S454W, S473W, S478W, S489W, S516W.
Identifiers: ClinVar variation 1711855 (VCV001711855.1), dbSNP rs121909388, ClinGen allele CA408088510.